The following is an entry in ClinVar:

ClinVar aggregate classification (germline): Pathogenic. Review status: criteria provided, multiple submitters, no conflicts (2 of 4 stars). 3 submissions from 3 submitters: Pathogenic (2). 1 of the submissions does not count toward it. Last evaluated 2024-05-14.

Conditions:
Usher syndrome type 2. Also called: Usher Syndrome Type II. Identifiers: Orphanet 231178, MedGen C0339534, MONDO:0016484.
Usher syndrome type 2A. Also called: RETINAL DISEASE IN USHER SYNDROME TYPE IIA, MODIFIER OF; USHER SYNDROME, TYPE IIA. Identifiers: Orphanet 231178, Orphanet 886, MedGen C1848634, MONDO:0010169, OMIM 276901.

Submissions (3):

Natera, Inc.
Classification: Pathogenic for Usher syndrome type 2A. Last evaluated: 2024-05-14. Review status: criteria provided, single submitter. Criteria: Natera Variant Classification Schema (03/2026). Collection method: clinical testing. Allele origin: germline.
Comment: The c.10211delC variant in USH2A is a frameshift variant predicted to shift the reading frame beginning at codon 3404 and leads to a stop codon 24 codons downstream. This variant is expected to result in nonsense mediated decay, truncation, or a dysfunctional protein product. This variant is rare in the general population with a frequency below the threshold expected for the associated phenotype(s). This variant has been observed in one or more individuals affected with the associated recessive disease, as either homozygous or compound heterozygous with a second variant (PMID: 29490346). Given the available evidence, this variant is classified as Pathogenic.

Revvity Omics, Revvity
Classification: Pathogenic. Last evaluated: 2021-11-09. Review status: criteria provided, single submitter. Criteria: ACMG Guidelines, 2015. Collection method: clinical testing. Allele origin: germline.

Sharon lab, Hadassah-Hebrew University Medical Center
Classification: Pathogenic for Usher syndrome type 2. Last evaluated: 2019-06-23. Review status: no assertion criteria provided. Collection method: research. Allele origin: inherited. Affected: yes. Not counted in ClinVar's aggregate classification.

Literature cited by the submitters: PubMed 29490346 (cited by Natera, Inc.).

NM_206933.4(USH2A):c.10211del (p.Pro3404fs)

Gene: USH2A (usherin; minus strand). Cytogenetic location: 1q41.
Variant type: Deletion.
Coding change: c.10211del on transcript NM_206933.4 (MANE Select); coding-DNA position 10211, one base deleted (C; older notation c.10211delC).
Protein change: p.Pro3404fs; shifts the reading frame from proline 3404.
Molecular consequence: frameshift variant.
Genome position (GRCh38, 1-based): chr1:215,786,846, G deleted on the plus strand (C on the coding strand, the reverse complement: USH2A is on the minus strand); the first of 3 consecutive G bases (chr1:215,786,846-215,786,848); deleting any one gives the same sequence. VCF-style (leftmost placement, unchanged base first): chr1-215786845-TG-T. GRCh37 (hg19) VCF-style: chr1-215960187-TG-T.
Other names: short protein forms P3404fs.
Identifiers: ClinVar variation 812452 (VCV000812452.6), dbSNP rs1571686349, ClinGen allele CA913184859.